The following is an entry in ClinVar:

ClinVar aggregate classification (germline): Uncertain significance (1 of 4 stars; one submission).

Conditions:
Alpha thalassemia-X-linked intellectual disability syndrome (ATRX). Also called: ALPHA-THALASSEMIA/MENTAL RETARDATION SYNDROME, X-LINKED; ATR, NONDELETION TYPE; ATR-X syndrome; Alpha thalassemia mental retardation syndrome, nondeletion type, X-linked; XLMR hypotonic face syndrome; X-linked alpha-thalassemia-mental retardation syndrome. Identifiers: Orphanet 847, MedGen C1845055, MONDO:0010519, OMIM 301040.

Submission:

Labcorp Genetics (formerly Invitae), Labcorp
Classification: Uncertain significance for Alpha thalassemia-X-linked intellectual disability syndrome. Last evaluated: 2025-07-18. Review status: criteria provided, single submitter. Criteria: Invitae Variant Classification Sherloc (09022015). Collection method: clinical testing. Allele origin: germline.
Comment: This sequence change replaces aspartic acid, which is acidic and polar, with tyrosine, which is neutral and polar, at codon 456 of the ATRX protein (p.Asp456Tyr). This variant is not present in population databases (gnomAD no frequency). This variant has not been reported in the literature in individuals affected with ATRX-related conditions. Invitae Evidence Modeling of protein sequence and biophysical properties (such as structural, functional, and spatial information, amino acid conservation, physicochemical variation, residue mobility, and thermodynamic stability) indicates that this missense variant is not expected to disrupt ATRX protein function with a negative predictive value of 95%. In summary, the available evidence is currently insufficient to determine the role of this variant in disease. Therefore, it has been classified as a Variant of Uncertain Significance.

NM_000489.6(ATRX):c.1366G>T (p.Asp456Tyr)

Gene: ATRX (ATRX chromatin remodeler; minus strand). Cytogenetic location: Xq21.1.
Variant type: single nucleotide variant.
Coding change: c.1366G>T on transcript NM_000489.6 (MANE Select); coding-DNA position 1366, G replaced by T.
Protein change: p.Asp456Tyr; replaces aspartic acid 456 with tyrosine.
Molecular consequence: missense variant.
Genome position (GRCh38, 1-based): chrX:77,683,890, C>A on the plus strand (G>T on the coding strand, the complement: ATRX is on the minus strand). VCF-style: chrX-77683890-C-A. GRCh37 (hg19) VCF-style: chrX-76939382-C-A.
Other names: c.1252G>T, p.Asp418Tyr (NM_138270.5); short protein forms D456Y, D418Y.
Identifiers: ClinVar variation 4752246 (VCV004752246.1).